The following is an entry in ClinVar:

ClinVar aggregate classification (germline): Uncertain significance. Review status: criteria provided, multiple submitters, no conflicts (2 of 4 stars). 3 submissions from 3 submitters: Uncertain significance (2). 1 of the submissions does not count toward it. Last evaluated 2024-08-06.

Conditions:
Xeroderma pigmentosum variant type. Also called: PHOTOSENSITIVITY WITH DEFECTIVE DNA SYNTHESIS; POLH-Related Xeroderma Pigmentosum; XERODERMA PIGMENTOSUM WITH NORMAL DNA REPAIR RATES. Identifiers: Orphanet 90342, MedGen C1848410, MONDO:0010214, OMIM 278750.

Allele frequency attached by ClinVar (database versions not stated): gnomAD 0.00001 and 0.00005; ExAC 0.00002; gnomAD exomes 0.00002; TOPMed 0.00003.
gnomAD v4.1: 120 of 1,613,902 alleles (0.0074%); highest among the groups gnomAD compares: East Asian, 0.25%; no homozygotes.

Submissions (3):

Blueprint Genetics
Classification: Uncertain significance. Last evaluated: 2024-08-06. Review status: criteria provided, single submitter. Criteria: ACMG Guidelines, 2015. Collection method: clinical testing. Allele origin: germline.

Illumina Laboratory Services, Illumina
Classification: Uncertain significance for Xeroderma pigmentosum variant type. Last evaluated: 2017-04-27. Review status: criteria provided, single submitter. Criteria: ICSL Variant Classification Criteria 13 December 2019. Collection method: clinical testing. Allele origin: germline.
Comment: This variant was observed as part of a predisposition screen in an ostensibly healthy population. A literature search was performed for the gene, cDNA change, and amino acid change (where applicable). Publications were found based on this search. However, the evidence from the literature, in combination with allele frequency data from public databases where available, was not sufficient to rule this variant in or out of causing disease. Therefore, this variant is classified as a variant of unknown significance.

OMIM
Classification: Pathogenic for XERODERMA PIGMENTOSUM, VARIANT TYPE. Last evaluated: 2000-12-01. Review status: no assertion criteria provided. Collection method: literature only. Allele origin: germline. Not counted in ClinVar's aggregate classification.

Literature cited by the submitters: PubMed 11121129 (cited by Illumina Laboratory Services, Illumina and OMIM); PubMed 10871396 (cited by OMIM).

NM_006502.3(POLH):c.1766A>C (p.Lys589Thr)

Gene: POLH (DNA polymerase eta; plus strand). Cytogenetic location: 6p21.1.
Variant type: single nucleotide variant.
Coding change: c.1766A>C on transcript NM_006502.3 (MANE Select); coding-DNA position 1766, A replaced by C.
Protein change: p.Lys589Thr; replaces lysine 589 with threonine.
Molecular consequence: missense variant. On other transcripts: 3 prime UTR variant (1).
Genome position (GRCh38, 1-based): chr6:43,614,181, A>C. VCF-style: chr6-43614181-A-C. GRCh37 (hg19) VCF-style: chr6-43581918-A-C.
Other names: c.1394A>C, p.Lys465Thr (NM_001291969.2); c.*450A>C (NM_001291970.2); short protein forms K589T, K465T.
Identifiers: ClinVar variation 5895 (VCV000005895.8), dbSNP rs121908565, ClinGen allele CA253649.
Genomic context (GRCh38, chr6:43,614,181, plus strand): 5'-CAGAGTATCCAGGGTGTGTCCCTGTTTGTGAAGGGGTGTCGAAGCTAGAAGAATCCTCTA[A>C]AGCAACTCCTGCAGAGATGGATTTGGCCCACAACAGCCAAAGCATGCACGCCTCTTCAGC-3'
Protein context (NP_006493.1, residues 579-599): EGVSKLEESS[Lys589Thr]ATPAEMDLAH